The following is an entry in ClinVar:

ClinVar aggregate classification (germline): Benign/Likely benign. Review status: criteria provided, multiple submitters, no conflicts (2 of 4 stars). 2 submissions from 2 submitters: Benign (1); Likely benign (1). Last evaluated 2023-08-23.

Conditions:
Coxopodopatellar syndrome. Also called: ISCHIOPATELLAR DYSPLASIA; SCOTT-TAOR SYNDROME; Small patella syndrome; ISCHIOCOXOPODOPATELLAR SYNDROME; PATELLA APLASIA, COXA VARA, AND TARSAL SYNOSTOSIS; Congenital coxa vara, patella aplasia and tarsal synostosis. Identifiers: Orphanet 1509, MedGen C1840061, MONDO:0007841, OMIM 147891.

Allele frequency attached by ClinVar (database versions not stated): gnomAD exomes 0.00001 and 0.00004; gnomAD 0.00002; TOPMed 0.00002; ExAC 0.00006.

Submissions (2):

Labcorp Genetics (formerly Invitae), Labcorp
Classification: Likely benign. Last evaluated: 2023-08-23. Review status: criteria provided, single submitter. Criteria: Invitae Variant Classification Sherloc (09022015). Collection method: clinical testing. Allele origin: germline.

Illumina Laboratory Services, Illumina
Classification: Benign for Coxopodopatellar syndrome. Last evaluated: 2018-01-13. Review status: criteria provided, single submitter. Criteria: ICSL Variant Classification Criteria 13 December 2019. Collection method: clinical testing. Allele origin: germline.
Comment: This variant was observed in the ICSL laboratory as part of a predisposition screen in an ostensibly healthy population. It had not been previously curated by ICSL or reported in the Human Gene Mutation Database (HGMD: prior to June 1st, 2018), and was therefore a candidate for classification through an automated scoring system. Utilizing variant allele frequency, disease prevalence and penetrance estimates, and inheritance mode, an automated score was calculated to assess if this variant is too frequent to cause the disease. Based on the score and internal cut-off values, a variant classified as benign is not then subjected to further curation. The score for this variant resulted in a classification of benign for this disease.

NM_001321120.2(TBX4):c.1158G>A (p.Glu386=)

Gene: TBX4 (T-box transcription factor 4; plus strand). Cytogenetic location: 17q23.2.
Variant type: single nucleotide variant.
Coding change: c.1158G>A on transcript NM_001321120.2 (MANE Select); coding-DNA position 1158, G replaced by A.
Protein change: p.Glu386=; no amino-acid change (glutamic acid 386 retained).
Molecular consequence: synonymous variant.
Genome position (GRCh38, 1-based): chr17:61,483,033, G>A. VCF-style: chr17-61483033-G-A. GRCh37 (hg19) VCF-style: chr17-59560394-G-A.
Other names: c.1158G>A, p.Glu386= (LRG_1206t1); c.1155G>A, p.Glu385= (NM_018488.3).
Identifiers: ClinVar variation 324260 (VCV000324260.8), dbSNP rs774920212, ClinGen allele CA8690037.
Genomic context (GRCh38, chr17:61,483,033, plus strand): 5'-CTATTTCCGTTCCCCCCCTCCCTACGACCAGCAAATGCTGAGCCCCTCCTACTGCAGTGA[G>A]GTGACCCCCAGAGAAGCATGTATGTACTCAGGTTCAGGGCCCGAGATTGCCGGGGTGTCT-3'
Protein context (NP_001308049.1, residues 376-396): QQMLSPSYCS[Glu386=]VTPREACMYS